The following is an entry in ClinVar:

NM_001368894.2(PAX6):c.262A>G (p.Ser88Gly)

Gene: PAX6 (paired box 6; minus strand). Cytogenetic location: 11p13.
Variant type: single nucleotide variant.
Coding change: c.262A>G on transcript NM_001368894.2 (MANE Select); coding-DNA position 262, A replaced by G.
Protein change: p.Ser88Gly; replaces serine 88 with glycine.
Molecular consequence: missense variant. On other transcripts: 5 prime UTR variant (14), non-coding transcript variant (2), intron variant (8).
Genome position (GRCh38, 1-based): chr11:31,801,698, T>C on the plus strand (A>G on the coding strand, the complement: PAX6 is on the minus strand). VCF-style: chr11-31801698-T-C. GRCh37 (hg19) VCF-style: chr11-31823246-T-C.
Other names: c.220A>G, p.Ser74Gly (NM_000280.6, NM_001127612.3, NM_001258464.2 and 10 more transcripts); c.262A>G, p.Ser88Gly (NM_001258462.3, NM_001258463.2, NM_001310158.2 and 6 more transcripts); c.-520A>G (NM_001310160.2, NM_001368902.2, NM_001368905.2); c.-189A>G (NM_001310161.3, NM_001368899.2, NM_001368900.2 and 8 more transcripts); c.463A>G, p.Ser155Gly (NM_001368910.2); c.265A>G, p.Ser89Gly (NM_001368911.2); c.337A>G, p.Ser113Gly (NM_001368918.2, NM_001368919.2); c.295A>G, p.Ser99Gly (NM_001368920.2); and 2 more; short protein forms S113G, S155G, S89G, S99G, S74G, S88G.
Identifiers: ClinVar variation 3893186 (VCV003893186.1).

ClinVar aggregate classification (germline): Likely pathogenic (1 of 4 stars; one submission).

Conditions:
Aniridia 1 (AN1). Identifiers: Orphanet 250923, MedGen C0344542, MONDO:0024507, OMIM 106210.

Submission:

Equipe Genetique des Anomalies du Developpement, Université de Bourgogne
Classification: Likely pathogenic for Aniridia 1. Last evaluated: 2025-03-19. Review status: criteria provided, single submitter. Criteria: ACMG Guidelines, 2015. Collection method: clinical testing. Allele origin: germline. Affected: yes.
Comment: This missense, heterozygous c.262A>G variant in the PAX6 gene is predicted to subsitute serine (polar and neutral) with glycine (polar and neutral). This variant impacts an amino acid that is conserved in vertebrates and is situated in a functional domain (PAX). In silico prediction scores are in favour of a damaging effect. This variant is absent from gnomAD (v.4.1.0). Pathogenic monoallelic variants in this gene are responsible for various phenotypes of autosomal dominant inheritance, including optic nerve hypoplasia (OMIM #165550) and aniridia (OMIM #106210). According to the available evidence, this variant is considered to be likely pathogenic.